The following is an entry in ClinVar:

ClinVar aggregate classification (germline): Likely pathogenic (1 of 4 stars; one submission).

Conditions:
Cardiovascular phenotype. Identifiers: MedGen CN230736.

Submission:

Ambry Genetics
Classification: Likely pathogenic for Cardiovascular phenotype. Last evaluated: 2022-09-12. Review status: criteria provided, single submitter. Criteria: Ambry Variant Classification Scheme 2023. Collection method: clinical testing. Allele origin: germline.
Comment: The c.29245_29248delGGGT variant, located in coding exon 117 of the TTN gene, results from a deletion of 4 nucleotides at nucleotide positions 29245 to 29248, causing a translational frameshift with a predicted alternate stop codon (p.G9749Lfs*7). This exon is located in the A-band region of the N2-B isoform of the titin protein and is constitutively expressed in TTN transcripts (percent spliced in or PSI 100%). This variant is considered to be rare based on population cohorts in the Genome Aggregation Database (gnomAD). This alteration is expected to result in loss of function by premature protein truncation or nonsense-mediated mRNA decay. While truncating variants in TTN are present in 1-3% of the general population, truncating variants in the A-band are the most common cause of dilated cardiomyopathy (DCM) (Herman DS et al. N. Engl. J. Med., 2012 Feb;366:619-28; Roberts AM et al. Sci Transl Med, 2015 Jan;7:270ra6). TTN truncating variants encoded in constitutive exons (PSI >90%) have been found to be significantly associated with DCM regardless of their position in titin (Schafer S et al. Nat. Genet., 2017 01;49:46-53). Based on the majority of available evidence to date, this variant is likely to be pathogenic.

NM_001267550.2(TTN):c.56440_56443del (p.Gly18814fs)

Genes: TTN (titin; minus strand), TTN-AS1 (TTN antisense RNA 1; plus strand). Cytogenetic location: 2q31.2.
Variant type: Deletion.
Coding change: c.56440_56443del on transcript NM_001267550.2 (MANE Select); coding-DNA positions 56440 to 56443, 4 bases deleted (GGGT; older notation c.56440_56443delGGGT).
Protein change: p.Gly18814fs; shifts the reading frame from glycine 18814.
Molecular consequence: frameshift variant.
Genome position (GRCh38, 1-based): chr2:178,599,350-178,599,353, ACCC deleted on the plus strand (GGGT on the coding strand, the reverse complement: TTN is on the minus strand); deleting any 4 consecutive bases within chr2:178,599,350-178,599,356 gives the same sequence; the c. name uses the placement nearest the transcript's 3' end. VCF-style (leftmost placement, unchanged base first): chr2-178599349-GACCC-G. GRCh37 (hg19) VCF-style: chr2-179464076-GACCC-G.
Other names: c.51517_51520del, p.Gly17173fs (NM_001256850.1); c.29245_29248del, p.Gly9749fs (NM_003319.4); c.48736_48739del, p.Gly16246fs (NM_133378.4); c.29620_29623del, p.Gly9874fs (NM_133432.3); c.29821_29824del, p.Gly9941fs (NM_133437.4); c.29245_29248delGGGT (NM_003319.4); short protein forms G17173fs, G16246fs, G9749fs, G18814fs, G9941fs, G9874fs.
Identifiers: ClinVar variation 1797739 (VCV001797739.2), dbSNP rs2469888970, ClinGen allele CA2580064866.